The following is an entry in ClinVar:

NM_018368.4(LMBRD1):c.759A>G (p.Ser253=)

Gene: LMBRD1 (LMBR1 domain containing 1; minus strand). Cytogenetic location: 6q13.
Variant type: single nucleotide variant.
Coding change: c.759A>G on transcript NM_018368.4 (MANE Select); coding-DNA position 759, A replaced by G.
Protein change: p.Ser253=; no amino-acid change (serine 253 retained).
Molecular consequence: synonymous variant.
Genome position (GRCh38, 1-based): chr6:69,718,959, T>C on the plus strand (A>G on the coding strand, the complement: LMBRD1 is on the minus strand). VCF-style: chr6-69718959-T-C. GRCh37 (hg19) VCF-style: chr6-70428851-T-C.
Other names: c.540A>G, p.Ser180= (NM_001363722.2, NM_001367271.1, NM_001367272.1).
Identifiers: ClinVar variation 388354 (VCV000388354.1), dbSNP rs1057523078, ClinGen allele CA16605556.
Genomic context (GRCh38, chr6:69,718,959, plus strand): 5'-GCAGCTCTAAGACAAAGTAGTTTTATGCTTCCCAATTACACCAAAACATCAACTCACTTT[T>C]GATTTAATCGTTTGAATGTGTTGTTCTACTTCTTCAATGTCTTCAGTGTTTTCCAAACGT-3'
Protein context (NP_060838.3, residues 243-263): EVEQHIQTIK[Ser253=]KSKDGRPLPA

ClinVar aggregate classification (germline): Likely benign (1 of 4 stars; one submission).

Allele frequency attached by ClinVar (database versions not stated): gnomAD exomes below 0.00001.
gnomAD v4.1: 8 of 1,613,464 alleles (0.0005%); highest among the groups gnomAD compares: Non-Finnish European, 0.00051%; no homozygotes.

Submission:

GeneDx
Classification: Likely benign. Last evaluated: 2016-08-17. Review status: criteria provided, single submitter. Criteria: GeneDx Variant Classification (06012015). Collection method: clinical testing. Allele origin: germline. Affected: yes.
Comment: This variant is considered likely benign or benign based on one or more of the following criteria: it is a conservative change, it occurs at a poorly conserved position in the protein, it is predicted to be benign by multiple in silico algorithms, and/or has population frequency not consistent with disease.